The following is an entry in ClinVar:

NM_005051.3(QARS1):c.2085-2A>G

Gene: QARS1 (glutaminyl-tRNA synthetase 1; minus strand). Cytogenetic location: 3p21.31.
Variant type: single nucleotide variant.
Coding change: c.2085-2A>G on transcript NM_005051.3 (MANE Select); the canonical splice acceptor site of the intron before coding-DNA position 2085, A replaced by G.
Molecular consequence: splice acceptor variant.
Genome position (GRCh38, 1-based): chr3:49,098,260, T>C on the plus strand (A>G on the coding strand, the complement: QARS1 is on the minus strand). VCF-style: chr3-49098260-T-C. GRCh37 (hg19) VCF-style: chr3-49135693-T-C.
Other names: c.2052-2A>G (NM_001272073.2).
Identifiers: ClinVar variation 1951954 (VCV001951954.5), dbSNP rs2042417862, ClinGen allele CA352698622.

ClinVar aggregate classification (germline): Likely pathogenic (1 of 4 stars; one submission).

Conditions:
Diffuse cerebral and cerebellar atrophy - intractable seizures - progressive microcephaly syndrome. Also called: Microcephaly, progressive, with seizures and cerebral and cerebellar atrophy. Identifiers: Orphanet 404437, MedGen C4014239, MONDO:0014335, OMIM 615760.

Allele frequency attached by ClinVar (database versions not stated): TOPMed below 0.00001.

Submission:

Labcorp Genetics (formerly Invitae), Labcorp
Classification: Likely pathogenic for Diffuse cerebral and cerebellar atrophy - intractable seizures - progressive microcephaly syndrome. Last evaluated: 2023-11-17. Review status: criteria provided, single submitter. Criteria: Invitae Variant Classification Sherloc (09022015). Collection method: clinical testing. Allele origin: germline.
Comment: This sequence change affects an acceptor splice site in intron 21 of the QARS gene. It is expected to disrupt RNA splicing. Variants that disrupt the donor or acceptor splice site typically lead to a loss of protein function (PMID: 16199547), and loss-of-function variants in QARS are known to be pathogenic (PMID: 24656866, 25471517). This variant is not present in population databases (gnomAD no frequency). This variant has not been reported in the literature in individuals affected with QARS-related conditions. ClinVar contains an entry for this variant (Variation ID: 1951954). Algorithms developed to predict the effect of sequence changes on RNA splicing suggest that this variant may disrupt the consensus splice site. In summary, the currently available evidence indicates that the variant is pathogenic, but additional data are needed to prove that conclusively. Therefore, this variant has been classified as Likely Pathogenic.

Literature cited by the submitters: PubMed 16199547; PubMed 24656866; PubMed 25471517.